The following is an entry in ClinVar:

NM_002471.4(MYH6):c.1316G>A (p.Trp439Ter)

Gene: MYH6 (myosin heavy chain 6; minus strand). Cytogenetic location: 14q11.2.
Variant type: single nucleotide variant.
Coding change: c.1316G>A on transcript NM_002471.4 (MANE Select); coding-DNA position 1316, G replaced by A.
Protein change: p.Trp439Ter; replaces tryptophan 439 with a stop codon.
Molecular consequence: nonsense.
Genome position (GRCh38, 1-based): chr14:23,400,803, C>T on the plus strand (G>A on the coding strand, the complement: MYH6 is on the minus strand). VCF-style: chr14-23400803-C-T. GRCh37 (hg19) VCF-style: chr14-23870012-C-T.
Other names: short protein forms W439*.
Identifiers: ClinVar variation 407154 (VCV000407154.10), dbSNP rs375729555, ClinGen allele CA16614379.

ClinVar aggregate classification (germline): Uncertain significance. Review status: criteria provided, multiple submitters, no conflicts (2 of 4 stars). 3 submissions from 3 submitters: Uncertain significance (3). Last evaluated 2025-10-08.

Conditions:
Hypertrophic cardiomyopathy 14. Identifiers: MedGen C2750467, MONDO:0013197, OMIM 613251.
Cardiovascular phenotype. Identifiers: MedGen CN230736.

Allele frequency attached by ClinVar (database versions not stated): gnomAD exomes below 0.00001; gnomAD 0.00001; TOPMed 0.00001; ESP Exome Variant Server 0.00008.
gnomAD v4.1: 6 of 1,614,108 alleles (0.00037%); highest among the groups gnomAD compares: African/African-American, 0.0013%; no homozygotes.

Submissions (3):

Labcorp Genetics (formerly Invitae), Labcorp
Classification: Uncertain significance for Hypertrophic cardiomyopathy 14. Last evaluated: 2025-10-08. Review status: criteria provided, single submitter. Criteria: Invitae Variant Classification Sherloc (09022015). Collection method: clinical testing. Allele origin: germline.
Comment: This sequence change creates a premature translational stop signal (p.Trp439*) in the MYH6 gene. It is expected to result in an absent or disrupted protein product. However, the current clinical and genetic evidence is not sufficient to establish whether loss-of-function variants in MYH6 cause disease. This variant is present in population databases (rs375729555, gnomAD 0.01%). This variant has not been reported in the literature in individuals affected with MYH6-related conditions. ClinVar contains an entry for this variant (Variation ID: 407154). In summary, the available evidence is currently insufficient to determine the role of this variant in disease. Therefore, it has been classified as a Variant of Uncertain Significance.

Ambry Genetics
Classification: Uncertain significance for Cardiovascular phenotype. Last evaluated: 2025-09-05. Review status: criteria provided, single submitter. Criteria: Ambry Variant Classification Scheme 2023. Collection method: clinical testing. Allele origin: germline.
Comment: The p.W439* variant (also known as c.1316G>A), located in coding exon 11 of the MYH6 gene, results from a G to A substitution at nucleotide position 1316. This changes the amino acid from a tryptophan to a stop codon within coding exon 11. This alteration has been reported in a hypertrophic cardiomyopathy (HCM) cohort; however, clinical details were limited (Lopes LR et al. Heart, 2015 Feb;101:294-301). This alteration is expected to result in protein truncation or nonsense-mediated mRNA decay. However, loss of function has not been established as a mechanism of disease. Based on the available evidence, the clinical significance of this alteration remains unclear.

AiLife Diagnostics
Classification: Uncertain significance. Last evaluated: 2022-02-09. Review status: criteria provided, single submitter. Criteria: ACMG Guidelines, 2015. Collection method: clinical testing. Allele origin: germline. Affected: yes. Observed: 1 variant allele.

Literature cited by the submitters: PubMed 25351510 (cited by Ambry Genetics).